The following is an entry in ClinVar:

NM_001127222.2(CACNA1A):c.4367C>G (p.Ser1456Cys)

Gene: CACNA1A (calcium voltage-gated channel subunit alpha1 A; minus strand). Cytogenetic location: 19p13.13.
Variant type: single nucleotide variant.
Coding change: c.4367C>G on transcript NM_001127222.2 (MANE Select); coding-DNA position 4367, C replaced by G.
Protein change: p.Ser1456Cys; replaces serine 1456 with cysteine.
Molecular consequence: missense variant.
Genome position (GRCh38, 1-based): chr19:13,259,585, G>C on the plus strand (C>G on the coding strand, the complement: CACNA1A is on the minus strand). VCF-style: chr19-13259585-G-C. GRCh37 (hg19) VCF-style: chr19-13370399-G-C.
Other names: c.4379C>G, p.Ser1460Cys (NM_000068.4, NM_023035.3); c.4370C>G, p.Ser1457Cys (NM_001127221.2, NM_001174080.2); short protein forms S1456C, S1457C, S1460C.
Identifiers: ClinVar variation 3390444 (VCV003390444.1).

ClinVar aggregate classification (germline): Uncertain significance (1 of 4 stars; one submission).

Submission:

GeneDx
Classification: Uncertain significance. Last evaluated: 2024-06-11. Review status: criteria provided, single submitter. Criteria: GeneDx Variant Classification Process June 2021. Collection method: clinical testing. Allele origin: germline. Affected: yes.
Comment: Not observed at significant frequency in large population cohorts (gnomAD); In silico analysis supports that this missense variant has a deleterious effect on protein structure/function; Has not been previously published as pathogenic or benign to our knowledge